The following is an entry in ClinVar:

NM_007325.5(GRIA3):c.992T>C (p.Val331Ala)

Gene: GRIA3 (glutamate ionotropic receptor AMPA type subunit 3; plus strand). Cytogenetic location: Xq25.
Variant type: single nucleotide variant.
Coding change: c.992T>C on transcript NM_007325.5 (MANE Select); coding-DNA position 992, T replaced by C.
Protein change: p.Val331Ala; replaces valine 331 with alanine.
Molecular consequence: missense variant.
Genome position (GRCh38, 1-based): chrX:123,398,715, T>C. VCF-style: chrX-123398715-T-C. GRCh37 (hg19) VCF-style: chrX-122532566-T-C.
Other names: c.992T>C, p.Val331Ala (NM_000828.5); c.992T>C (NM_000828.4); short protein forms V331A.
Identifiers: ClinVar variation 1721641 (VCV001721641.6), dbSNP rs921385861, ClinGen allele CA335239347.

ClinVar aggregate classification (germline): Uncertain significance. Review status: criteria provided, multiple submitters, no conflicts (2 of 4 stars). 2 submissions from 2 submitters: Uncertain significance (2). Last evaluated 2023-12-17.

Conditions:
Inborn genetic diseases. Identifiers: MedGen C0950123, MeSH D030342.

Allele frequency attached by ClinVar (database versions not stated): gnomAD exomes below 0.00001.
gnomAD v4.1: 3 of 1,207,848 alleles (0.00025%); highest among the groups gnomAD compares: Non-Finnish European, 0.00034%; no homozygotes.

Submissions (2):

Ambry Genetics
Classification: Uncertain significance for Inborn genetic diseases. Last evaluated: 2023-12-17. Review status: criteria provided, single submitter. Criteria: Ambry Variant Classification Scheme 2023. Collection method: clinical testing. Allele origin: germline.

Labcorp Genetics (formerly Invitae), Labcorp
Classification: Uncertain significance. Last evaluated: 2022-10-14. Review status: criteria provided, single submitter. Criteria: Invitae Variant Classification Sherloc (09022015). Collection method: clinical testing. Allele origin: germline.
Comment: In summary, the available evidence is currently insufficient to determine the role of this variant in disease. Therefore, it has been classified as a Variant of Uncertain Significance. Advanced modeling of protein sequence and biophysical properties (such as structural, functional, and spatial information, amino acid conservation, physicochemical variation, residue mobility, and thermodynamic stability) performed at Invitae indicates that this missense variant is not expected to disrupt GRIA3 protein function. This variant has not been reported in the literature in individuals affected with GRIA3-related conditions. This variant is not present in population databases (gnomAD no frequency). This sequence change replaces valine, which is neutral and non-polar, with alanine, which is neutral and non-polar, at codon 331 of the GRIA3 protein (p.Val331Ala).